The following is an entry in ClinVar:

NM_152703.5(SAMD9L):c.4181A>T (p.Lys1394Met)

Gene: SAMD9L (sterile alpha motif domain containing 9 like; minus strand). Cytogenetic location: 7q21.2.
Variant type: single nucleotide variant.
Coding change: c.4181A>T on transcript NM_152703.5 (MANE Select); coding-DNA position 4181, A replaced by T.
Protein change: p.Lys1394Met; replaces lysine 1394 with methionine.
Molecular consequence: missense variant.
Genome position (GRCh38, 1-based): chr7:93,131,791, T>A on the plus strand (A>T on the coding strand, the complement: SAMD9L is on the minus strand). VCF-style: chr7-93131791-T-A. GRCh37 (hg19) VCF-style: chr7-92761104-T-A.
Other names: c.4181A>T, p.Lys1394Met (NM_001303496.3, NM_001303497.3, NM_001303498.3 and 5 more transcripts); short protein forms K1394M.
Identifiers: ClinVar variation 3949842 (VCV003949842.1).

ClinVar aggregate classification (germline): Uncertain significance (1 of 4 stars; one submission).

Conditions:
Inborn genetic diseases. Identifiers: MedGen C0950123, MeSH D030342.

gnomAD v4.1: 1 of 1,613,534 alleles (0.000062%); highest among the groups gnomAD compares: Non-Finnish European, 0.000085%; no homozygotes.

Submission:

Ambry Genetics
Classification: Uncertain significance for Inborn genetic diseases. Last evaluated: 2025-04-13. Review status: criteria provided, single submitter. Criteria: Ambry Variant Classification Scheme 2023. Collection method: clinical testing. Allele origin: germline.
Comment: The p.K1394M variant (also known as c.4181A>T), located in coding exon 1 of the SAMD9L gene, results from an A to T substitution at nucleotide position 4181. The lysine at codon 1394 is replaced by methionine, an amino acid with similar properties. This amino acid position is conserved. In addition, this alteration is predicted to be tolerated by in silico analysis. Based on the available evidence, the clinical significance of this variant remains unclear.